The following is an entry in ClinVar:

NM_016335.6(PRODH):c.305A>G (p.Gln102Arg)

Gene: PRODH (proline dehydrogenase 1; minus strand). Cytogenetic location: 22q11.21.
Variant type: single nucleotide variant.
Coding change: c.305A>G on transcript NM_016335.6 (MANE Select); coding-DNA position 305, A replaced by G.
Protein change: p.Gln102Arg; replaces glutamine 102 with arginine.
Molecular consequence: missense variant. On other transcripts: 5 prime UTR variant (2).
Genome position (GRCh38, 1-based): chr22:18,931,167, T>C on the plus strand (A>G on the coding strand, the complement: PRODH is on the minus strand). VCF-style: chr22-18931167-T-C. GRCh37 (hg19) VCF-style: chr22-18918680-T-C.
Other names: c.-20A>G (NM_001195226.2, NM_001368250.2); short protein forms Q102R.
Identifiers: ClinVar variation 1987744 (VCV001987744.3), dbSNP rs750587963, ClinGen allele CA10095473.

ClinVar aggregate classification (germline): Uncertain significance. Review status: criteria provided, multiple submitters, no conflicts (2 of 4 stars). 2 submissions from 2 submitters: Uncertain significance (2). Last evaluated 2024-09-18.

Conditions:
Proline dehydrogenase deficiency (HYRPRO1). Also called: PROLINE OXIDASE DEFICIENCY; Hyperprolinemia type 1. Identifiers: Orphanet 419, MedGen C0268529, MONDO:0009400, OMIM 239500.

Allele frequency attached by ClinVar (database versions not stated): ExAC 0.00004.

Submissions (2):

Blueprint Genetics
Classification: Uncertain significance. Last evaluated: 2024-09-18. Review status: criteria provided, single submitter. Criteria: ACMG Guidelines, 2015. Collection method: clinical testing. Allele origin: germline.

Labcorp Genetics (formerly Invitae), Labcorp
Classification: Uncertain significance for Proline dehydrogenase deficiency. Last evaluated: 2024-05-22. Review status: criteria provided, single submitter. Criteria: Invitae Variant Classification Sherloc (09022015). Collection method: clinical testing. Allele origin: germline.
Comment: This sequence change replaces glutamine, which is neutral and polar, with arginine, which is basic and polar, at codon 102 of the PRODH protein (p.Gln102Arg). This variant is present in population databases (rs750587963, gnomAD 0.006%). This variant has not been reported in the literature in individuals affected with PRODH-related conditions. ClinVar contains an entry for this variant (Variation ID: 1987744). An algorithm developed to predict the effect of missense changes on protein structure and function (PolyPhen-2) suggests that this variant¬†is likely to be tolerated. In summary, the available evidence is currently insufficient to determine the role of this variant in disease. Therefore, it has been classified as a Variant of Uncertain Significance.